The following is an entry in ClinVar:

NM_182961.4(SYNE1):c.3649C>A (p.Leu1217Ile)

Gene: SYNE1 (spectrin repeat containing nuclear envelope protein 1; minus strand). Cytogenetic location: 6q25.2.
Variant type: single nucleotide variant.
Coding change: c.3649C>A on transcript NM_182961.4 (MANE Select); coding-DNA position 3649, C replaced by A.
Protein change: p.Leu1217Ile; replaces leucine 1217 with isoleucine.
Molecular consequence: missense variant.
Genome position (GRCh38, 1-based): chr6:152,447,478, G>T on the plus strand (C>A on the coding strand, the complement: SYNE1 is on the minus strand). VCF-style: chr6-152447478-G-T. GRCh37 (hg19) VCF-style: chr6-152768613-G-T.
Other names: c.3670C>A, p.Leu1224Ile (NM_033071.5); short protein forms L1217I, L1224I.
Identifiers: ClinVar variation 1521573 (VCV001521573.6), dbSNP rs2154244956, ClinGen allele CA366148153.

ClinVar aggregate classification (germline): Uncertain significance (1 of 4 stars; one submission).

Conditions:
Emery-Dreifuss muscular dystrophy 4, autosomal dominant (EDMD4). Also called: EMERY-DREIFUSS MUSCULAR DYSTROPHY 4 WITH VARIABLE FEATURES. Identifiers: Orphanet 261, MedGen C2751807, MONDO:0013071, OMIM 612998.
Autosomal recessive ataxia, Beauce type. Also called: Spinocerebellar ataxia, autosomal recessive 8; ATAXIA, RECESSIVE, OF BEAUCE; SYNE1 Deficiency; SYNE1-Related Autosomal Recessive Cerebellar Ataxia. Identifiers: Orphanet 88644, MedGen C1853116, MONDO:0012549, OMIM 610743.

Submission:

Labcorp Genetics (formerly Invitae), Labcorp
Classification: Uncertain significance for Emery-Dreifuss muscular dystrophy 4, autosomal dominant; Autosomal recessive ataxia, Beauce type. Last evaluated: 2021-09-26. Review status: criteria provided, single submitter. Criteria: Invitae Variant Classification Sherloc (09022015). Collection method: clinical testing. Allele origin: germline.
Comment: In summary, the available evidence is currently insufficient to determine the role of this variant in disease. Therefore, it has been classified as a Variant of Uncertain Significance. Algorithms developed to predict the effect of missense changes on protein structure and function are either unavailable or do not agree on the potential impact of this missense change (SIFT: "Deleterious"; PolyPhen-2: "Benign"; Align-GVGD: "Class C0"). This variant has not been reported in the literature in individuals affected with SYNE1-related conditions. This variant is not present in population databases (ExAC no frequency). This sequence change replaces leucine with isoleucine at codon 1224 of the SYNE1 protein (p.Leu1224Ile). The leucine residue is highly conserved and there is a small physicochemical difference between leucine and isoleucine.